The following is an entry in ClinVar:

NM_000368.5(TSC1):c.1264-3C>A

Gene: TSC1 (TSC complex subunit 1; minus strand). Cytogenetic location: 9q34.13.
Variant type: single nucleotide variant.
Coding change: c.1264-3C>A on transcript NM_000368.5 (MANE Select); 3 bases into the intron before coding-DNA position 1264, C replaced by A.
Molecular consequence: intron variant.
Genome position (GRCh38, 1-based): chr9:132,907,373, G>T on the plus strand (C>A on the coding strand, the complement: TSC1 is on the minus strand). VCF-style: chr9-132907373-G-T. GRCh37 (hg19) VCF-style: chr9-135782760-G-T.
Other names: c.901-3C>A (NM_001362177.2); c.1111-3C>A (NM_001162427.2); c.1261-3C>A (NM_001162426.2).
Identifiers: ClinVar variation 1013915 (VCV001013915.8), dbSNP rs1194717065, ClinGen allele CA1882415659.

ClinVar aggregate classification (germline): Uncertain significance (1 of 4 stars; one submission).

Conditions:
Tuberous sclerosis 1 (TSC1). Identifiers: Orphanet 805, MedGen C1854465, MONDO:0008612, OMIM 191100.

Submission:

Labcorp Genetics (formerly Invitae), Labcorp
Classification: Uncertain significance for Tuberous sclerosis 1. Last evaluated: 2022-08-16. Review status: criteria provided, single submitter. Criteria: Invitae Variant Classification Sherloc (09022015). Collection method: clinical testing. Allele origin: germline.
Comment: This sequence change falls in intron 12 of the TSC1 gene. It does not directly change the encoded amino acid sequence of the TSC1 protein. It affects a nucleotide within the consensus splice site. This variant is not present in population databases (gnomAD no frequency). In summary, the available evidence is currently insufficient to determine the role of this variant in disease. Therefore, it has been classified as a Variant of Uncertain Significance. Variants that disrupt the consensus splice site are a relatively common cause of aberrant splicing (PMID: 17576681, 9536098). Algorithms developed to predict the effect of sequence changes on RNA splicing suggest that this variant may create or strengthen a splice site. ClinVar contains an entry for this variant (Variation ID: 1013915). This variant has not been reported in the literature in individuals affected with TSC1-related conditions.

Literature cited by the submitters: PubMed 17576681; PubMed 9536098.